The following is an entry in ClinVar:

ClinVar aggregate classification (germline): Uncertain significance (1 of 4 stars; one submission).

Submission:

GeneDx
Classification: Uncertain significance. Last evaluated: 2026-07-02. Review status: criteria provided, single submitter. Criteria: GeneDx Variant Classification Process June 2021. Collection method: clinical testing. Allele origin: germline.
Comment: Not observed at significant frequency in large population cohorts (gnomAD); In silico analysis supports that this missense variant has a deleterious effect on protein structure/function; Has not been previously published as pathogenic or benign to our knowledge

NM_020738.4(KIDINS220):c.1265T>G (p.Ile422Arg)

Gene: KIDINS220 (kinase D interacting substrate 220; minus strand). Cytogenetic location: 2p25.1.
Variant type: single nucleotide variant.
Coding change: c.1265T>G on transcript NM_020738.4 (MANE Select); coding-DNA position 1265, T replaced by G.
Protein change: p.Ile422Arg; replaces isoleucine 422 with arginine.
Molecular consequence: missense variant. On other transcripts: non-coding transcript variant (2).
Genome position (GRCh38, 1-based): chr2:8,793,821, A>C on the plus strand (T>G on the coding strand, the complement: KIDINS220 is on the minus strand). VCF-style: chr2-8793821-A-C. GRCh37 (hg19) VCF-style: chr2-8933951-A-C.
Other names: c.1268T>G, p.Ile423Arg (NM_001348729.2, NM_001348731.2, NM_001348734.2 and 3 more transcripts); c.1265T>G, p.Ile422Arg (NM_001348732.2, NM_001348735.2, NM_001348738.2 and 3 more transcripts); c.1139T>G, p.Ile380Arg (NM_001348736.2); short protein forms I380R, I422R, I423R.
Identifiers: ClinVar variation 3368187 (VCV003368187.2).